The following is an entry in ClinVar:

ClinVar aggregate classification (germline): Uncertain significance (1 of 4 stars; one submission).

Submission:

GeneDx
Classification: Uncertain significance. Last evaluated: 2025-12-09. Review status: criteria provided, single submitter. Criteria: GeneDx Variant Classification Process June 2021. Collection method: clinical testing. Allele origin: germline. Affected: yes.
Comment: Not observed at significant frequency in large population cohorts (gnomAD); In silico analysis supports that this missense variant has a deleterious effect on protein structure/function; Has not been previously published as pathogenic or benign to our knowledge

NM_152296.5(ATP1A3):c.230C>A (p.Pro77Gln)

Gene: ATP1A3 (ATPase Na+/K+ transporting subunit alpha 3; minus strand). Cytogenetic location: 19q13.2.
Variant type: single nucleotide variant.
Coding change: c.230C>A on transcript NM_152296.5 (MANE Select); coding-DNA position 230, C replaced by A.
Protein change: p.Pro77Gln; replaces proline 77 with glutamine.
Molecular consequence: missense variant.
Genome position (GRCh38, 1-based): chr19:41,988,063, G>T on the plus strand (C>A on the coding strand, the complement: ATP1A3 is on the minus strand). VCF-style: chr19-41988063-G-T. GRCh37 (hg19) VCF-style: chr19-42492215-G-T.
Other names: c.263C>A, p.Pro88Gln (NM_001256213.2); c.269C>A, p.Pro90Gln (NM_001256214.2); short protein forms P77Q, P88Q, P90Q.
Identifiers: ClinVar variation 2581924 (VCV002581924.2), dbSNP rs987457417, ClinGen allele CA406056615.
Genomic context (GRCh38, chr19:41,988,063, plus strand): 5'-CCGATCCACAGCAGGATGGAGAAGCCCCCGAAGAGCTGCCGGCAAAACTTGACCCACTCT[G>T]GGGTGGTAGGCGGTGGCGTGAGTGCGTTAGGCCCATCCCGGGCCAGGATCTCCTGGGCTT-3'
Protein context (NP_689509.1, residues 67-87): PNALTPPPTT[Pro77Gln]EWVKFCRQLF